The following is an entry in ClinVar:

NM_001006658.3(CR2):c.445+6T>C

Gene: CR2 (complement C3d receptor 2; plus strand). Cytogenetic location: 1q32.2.
Variant type: single nucleotide variant.
Coding change: c.445+6T>C on transcript NM_001006658.3 (MANE Select); 6 bases into the intron after coding-DNA position 445, T replaced by C.
Molecular consequence: intron variant.
Genome position (GRCh38, 1-based): chr1:207,466,918, T>C. VCF-style: chr1-207466918-T-C. GRCh37 (hg19) VCF-style: chr1-207640263-T-C.
Other names: c.445+6T>C (NM_001877.5).
Identifiers: ClinVar variation 855596 (VCV000855596.7), dbSNP rs753028434, ClinGen allele CA1368415.

ClinVar aggregate classification (germline): Uncertain significance (1 of 4 stars; one submission).

Conditions:
Immunodeficiency, common variable, 7. Identifiers: Orphanet 1572, Orphanet 696894, MedGen C3542922, MONDO:0013862, OMIM 614699.

Allele frequency attached by ClinVar (database versions not stated): gnomAD exomes below 0.00001 and 0.00002; gnomAD 0.00001; ExAC 0.00004; TOPMed below 0.00001.
gnomAD v4.1: 7 of 1,575,260 alleles (0.00044%); highest among the groups gnomAD compares: Non-Finnish European, 0.0006%; no homozygotes.

Submission:

Labcorp Genetics (formerly Invitae), Labcorp
Classification: Uncertain significance for Immunodeficiency, common variable, 7. Last evaluated: 2019-11-18. Review status: criteria provided, single submitter. Criteria: Invitae Variant Classification Sherloc (09022015). Collection method: clinical testing. Allele origin: germline.
Comment: Nucleotide substitutions within the consensus splice site are a relatively common cause of aberrant splicing (PMID: 17576681, 9536098). Algorithms developed to predict the effect of sequence changes on RNA splicing suggest that this variant may disrupt the consensus splice site, but this prediction has not been confirmed by published transcriptional studies. This variant has not been reported in the literature in individuals with CR2-related conditions. This variant is present in population databases (rs753028434, ExAC 0.006%). This sequence change falls in intron 2 of the CR2 gene. It does not directly change the encoded amino acid sequence of the CR2 protein, but it affects a nucleotide within the consensus splice site of the intron. In summary, the available evidence is currently insufficient to determine the role of this variant in disease. Therefore, it has been classified as a Variant of Uncertain Significance.

Literature cited by the submitters: PubMed 17576681; PubMed 9536098.